The following is an entry in ClinVar:

ClinVar aggregate classification (germline): Pathogenic (1 of 4 stars; one submission).

Conditions:
Junctional epidermolysis bullosa. Identifiers: Orphanet 305, MedGen C0079301, MONDO:0017612.

Submission:

Myriad Genetics, Inc.
Classification: Pathogenic for Junctional epidermolysis bullosa. Last evaluated: 2025-02-26. Review status: criteria provided, single submitter. Criteria: Myriad Autosomal Dominant, Autosomal Recessive and X-Linked Classification Criteria (2023). Collection method: clinical testing. Allele origin: unknown.
Comment: NM_005562.2(LAMC2):c.1957_1966dup10(A656Dfs*5) is expected to be pathogenic in the context of junctional epidermolysis bullosa, LAMC2-related. This variant is predicted to lead to an abnormal or absent protein product due to the creation of a premature termination codon in LAMC2, a gene where loss-of-function variants are known to be pathogenic. Please note: this variant was assessed in the context of healthy population screening.

NM_005562.3(LAMC2):c.1957_1966dup (p.Ala656fs)

Gene: LAMC2 (laminin subunit gamma 2; plus strand). Cytogenetic location: 1q25.3.
Variant type: Duplication.
Coding change: c.1957_1966dup on transcript NM_005562.3 (MANE Select); coding-DNA positions 1957 to 1966, 10 bases duplicated (ATGCAGCAGG; older notation c.1957_1966dupATGCAGCAGG).
Protein change: p.Ala656fs; shifts the reading frame from alanine 656.
Molecular consequence: frameshift variant.
Genome position (GRCh38, 1-based): chr1:183,232,286-183,232,295, ATGCAGCAGG duplicated; duplicating any 10 consecutive bases within chr1:183,232,281-183,232,295 gives the same sequence; the c. name uses the placement nearest the transcript's 3' end. VCF-style (leftmost placement, unchanged base first): chr1-183232280-G-GGCAGGATGCA. GRCh37 (hg19) VCF-style: chr1-183201415-G-GGCAGGATGCA.
Other names: c.1957_1966dup, p.Ala656fs (NM_018891.3); short protein forms A656fs.
Identifiers: ClinVar variation 5014134 (VCV005014134.1).